The following is an entry in ClinVar:

NM_001037.5(SCN1B):c.448+301G>A

Gene: SCN1B (sodium voltage-gated channel beta subunit 1; plus strand). Cytogenetic location: 19q13.11.
Variant type: single nucleotide variant.
Coding change: c.448+301G>A on transcript NM_001037.5 (MANE Select); 301 bases into the intron after coding-DNA position 448, G replaced by A.
Molecular consequence: intron variant. On other transcripts: missense variant (1).
Genome position (GRCh38, 1-based): chr19:35,034,040, G>A. VCF-style: chr19-35034040-G-A. GRCh37 (hg19) VCF-style: chr19-35524944-G-A.
Other names: p.R250K:AGG>AAG; c.749G>A, p.Arg250Lys (NM_199037.5); c.349+301G>A (NM_001321605.2); short protein forms R250K.
Identifiers: ClinVar variation 139000 (VCV000139000.33), dbSNP rs67486287, ClinGen allele CA293224.

ClinVar aggregate classification (germline): Benign/Likely benign. Review status: criteria provided, multiple submitters, no conflicts (2 of 4 stars). 4 submissions from 4 submitters: Benign (2); Likely benign (2). Last evaluated 2025-12-29.

Conditions:
Brugada syndrome 5 (BRGDA5). Identifiers: Orphanet 130, Orphanet 871, MedGen C2748541, MONDO:0013015, OMIM 612838.

Allele frequency attached by ClinVar (database versions not stated): 1000 Genomes Project 30x 0.00125.
gnomAD v4.1: 559 of 1,550,376 alleles (0.036%); highest among the groups gnomAD compares: South Asian, 0.49%; 6 homozygotes.

Submissions (4):

Labcorp Genetics (formerly Invitae), Labcorp
Classification: Benign for Brugada syndrome 5. Last evaluated: 2025-12-29. Review status: criteria provided, single submitter. Criteria: Invitae Variant Classification Sherloc (09022015). Collection method: clinical testing. Allele origin: germline.

Blueprint Genetics
Classification: Likely benign. Last evaluated: 2024-03-01. Review status: criteria provided, single submitter. Criteria: ACMG Guidelines, 2015. Collection method: clinical testing. Allele origin: germline.

CeGaT Center for Human Genetics Tuebingen
Classification: Likely benign. Last evaluated: 2024-03-01. Review status: criteria provided, single submitter. Criteria: CeGaT Center For Human Genetics Tuebingen Variant Classification Criteria Version 2. Collection method: clinical testing. Allele origin: germline. Affected: yes. Observed: 1 variant allele.
Comment: SCN1B: BP4, BS2

GeneDx
Classification: Benign. Last evaluated: 2014-03-04. Review status: criteria provided, single submitter. Criteria: GeneDx Variant Classification (06012015). Collection method: clinical testing. Allele origin: germline. Affected: yes.
Comment: This variant is considered likely benign or benign based on one or more of the following criteria: it is a conservative change, it occurs at a poorly conserved position in the protein, it is predicted to be benign by multiple in silico algorithms, and/or has population frequency not consistent with disease.